The following is an entry in ClinVar:

ClinVar aggregate classification (germline): Uncertain significance (1 of 4 stars; one submission).

Allele frequency attached by ClinVar (database versions not stated): gnomAD exomes 0.00001.
gnomAD v4.1: 6 of 1,613,990 alleles (0.00037%); highest among the groups gnomAD compares: East Asian, 0.011%; no homozygotes.

Submission:

Labcorp Genetics (formerly Invitae), Labcorp
Classification: Uncertain significance. Last evaluated: 2022-11-03. Review status: criteria provided, single submitter. Criteria: Invitae Variant Classification Sherloc (09022015). Collection method: clinical testing. Allele origin: germline.
Comment: In summary, the available evidence is currently insufficient to determine the role of this variant in disease. Therefore, it has been classified as a Variant of Uncertain Significance. Advanced modeling of protein sequence and biophysical properties (such as structural, functional, and spatial information, amino acid conservation, physicochemical variation, residue mobility, and thermodynamic stability) performed at Invitae indicates that this missense variant is not expected to disrupt NBAS protein function. This variant has not been reported in the literature in individuals affected with NBAS-related conditions. This variant is present in population databases (no rsID available, gnomAD 0.003%). This sequence change replaces valine, which is neutral and non-polar, with methionine, which is neutral and non-polar, at codon 2203 of the NBAS protein (p.Val2203Met).

NM_015909.4(NBAS):c.6607G>A (p.Val2203Met)

Gene: NBAS (NBAS subunit of NRZ tethering complex; minus strand). Cytogenetic location: 2p24.3.
Variant type: single nucleotide variant.
Coding change: c.6607G>A on transcript NM_015909.4 (MANE Select); coding-DNA position 6607, G replaced by A.
Protein change: p.Val2203Met; replaces valine 2203 with methionine.
Molecular consequence: missense variant. On other transcripts: non-coding transcript variant (1).
Genome position (GRCh38, 1-based): chr2:15,186,846, C>T on the plus strand (G>A on the coding strand, the complement: NBAS is on the minus strand). VCF-style: chr2-15186846-C-T. GRCh37 (hg19) VCF-style: chr2-15326970-C-T.
Other names: short protein forms V2203M.
Identifiers: ClinVar variation 2070601 (VCV002070601.2), dbSNP rs1558420150, ClinGen allele CA345919323.